The following is an entry in ClinVar:

NM_007035.4(KERA):c.696T>G (p.Tyr232Ter)

Gene: KERA (keratocan; minus strand). Cytogenetic location: 12q21.33.
Variant type: single nucleotide variant.
Coding change: c.696T>G on transcript NM_007035.4 (MANE Select); coding-DNA position 696, T replaced by G.
Protein change: p.Tyr232Ter; replaces tyrosine 232 with a stop codon.
Molecular consequence: nonsense.
Genome position (GRCh38, 1-based): chr12:91,055,586, A>C on the plus strand (T>G on the coding strand, the complement: KERA is on the minus strand). VCF-style: chr12-91055586-A-C. GRCh37 (hg19) VCF-style: chr12-91449363-A-C.
Other names: short protein forms Y232*.
Identifiers: ClinVar variation 2891759 (VCV002891759.2), dbSNP rs139692564, ClinGen allele CA6716527.

ClinVar aggregate classification (germline): Conflicting classifications of pathogenicity. Review status: criteria provided, conflicting classifications (1 of 4 stars). 2 submissions from 2 submitters: Pathogenic (1); Uncertain significance (1). Last evaluated 2025-08-08.

Allele frequency attached by ClinVar (database versions not stated): gnomAD exomes 0.00001; ESP Exome Variant Server 0.00008; ExAC 0.00001.
gnomAD v4.1: 11 of 1,611,040 alleles (0.00068%); highest among the groups gnomAD compares: Admixed American, 0.0084%; no homozygotes.

Submissions (2):

GeneDx
Classification: Uncertain significance. Last evaluated: 2025-08-08. Review status: criteria provided, single submitter. Criteria: GeneDx Variant Classification Process June 2021. Collection method: clinical testing. Allele origin: germline. Affected: yes.
Comment: Nonsense variant predicted to result in protein truncation or nonsense mediated decay in a gene for which loss of function is a known mechanism of disease; Has not been previously published as pathogenic or benign to our knowledge

Labcorp Genetics (formerly Invitae), Labcorp
Classification: Pathogenic. Last evaluated: 2023-10-03. Review status: criteria provided, single submitter. Criteria: Invitae Variant Classification Sherloc (09022015). Collection method: clinical testing. Allele origin: germline.
Comment: This sequence change creates a premature translational stop signal (p.Tyr232*) in the KERA gene. It is expected to result in an absent or disrupted protein product. Loss-of-function variants in KERA are known to be pathogenic (PMID: 10802664, 16234475, 31059048). This variant is present in population databases (rs139692564, gnomAD 0.01%). This variant has not been reported in the literature in individuals affected with KERA-related conditions. For these reasons, this variant has been classified as Pathogenic.

Literature cited by the submitters: PubMed 10802664 (cited by Labcorp Genetics (formerly Invitae), Labcorp); PubMed 16234475 (cited by Labcorp Genetics (formerly Invitae), Labcorp); PubMed 31059048 (cited by Labcorp Genetics (formerly Invitae), Labcorp).